The following is an entry in ClinVar:

ClinVar aggregate classification (germline): Likely benign (1 of 4 stars; one submission).

Conditions:
TRIO-related disorder. Also called: TRIO-related condition; TRIO-related disorders.

gnomAD v4.1: 41 of 1,370,930 alleles (0.003%); highest among the groups gnomAD compares: East Asian, 0.05%; no homozygotes.

Submission:

PreventionGenetics, part of Exact Sciences
Classification: Likely benign for TRIO-related condition. Last evaluated: 2025-10-14. Review status: criteria provided, single submitter. Criteria: ACMG Guidelines, 2015. Collection method: clinical testing. Allele origin: germline.
Comment: This variant is classified as likely benign based on ACMG/AMP sequence variant interpretation guidelines (Richards et al. 2015 PMID: 25741868, with internal and published modifications).

NM_007118.4(TRIO):c.7150G>C (p.Glu2384Gln)

Gene: TRIO (trio Rho guanine nucleotide exchange factor; plus strand). Cytogenetic location: 5p15.2.
Variant type: single nucleotide variant.
Coding change: c.7150G>C on transcript NM_007118.4 (MANE Select); coding-DNA position 7150, G replaced by C.
Protein change: p.Glu2384Gln; replaces glutamic acid 2384 with glutamine.
Molecular consequence: missense variant.
Genome position (GRCh38, 1-based): chr5:14,487,778, G>C. VCF-style: chr5-14487778-G-C. GRCh37 (hg19) VCF-style: chr5-14487887-G-C.
Other names: short protein forms E2384Q.
Identifiers: ClinVar variation 4981070 (VCV004981070.1).